The following is an entry in ClinVar:

ClinVar aggregate classification (germline): Conflicting classifications of pathogenicity. Review status: criteria provided, conflicting classifications (1 of 4 stars). 7 submissions from 7 submitters: Uncertain significance (4); Likely benign (1). 2 of the submissions do not count toward it. Last evaluated 2026-09-01.

Conditions:
Autosomal recessive limb-girdle muscular dystrophy type 2L (LGMDR12). Also called: MUSCULAR DYSTROPHY, LIMB-GIRDLE, AUTOSOMAL RECESSIVE 12; Limb-Girdle Muscular Dystrophy R12 Anoctamin-5-Related (LGMD-R12); Limb-girdle muscular dystrophy, type 2L. Identifiers: Orphanet 206549, MedGen C1969785, MONDO:0012652, OMIM 611307.
Gnathodiaphyseal dysplasia (GDD). Also called: OSTEOGENESIS IMPERFECTA WITH UNUSUAL SKELETAL LESIONS; GNATHODIAPHYSEAL SCLEROSIS. Identifiers: Orphanet 53697, MedGen C1833736, MONDO:0008151, OMIM 166260.
Inborn genetic diseases. Identifiers: MedGen C0950123, MeSH D030342.

Allele frequency attached by ClinVar (database versions not stated): gnomAD 0.00001; TOPMed 0.00001; ExAC 0.00003; gnomAD exomes 0.00003.
gnomAD v4.1: 50 of 1,606,458 alleles (0.0031%); highest among the groups gnomAD compares: Non-Finnish European, 0.0038%; 1 homozygote.

Submissions (7):

CeGaT Center for Human Genetics Tuebingen
Classification: Likely benign. Last evaluated: 2026-09-01. Review status: criteria provided, single submitter. Criteria: CeGaT Center For Human Genetics Tuebingen Variant Classification Criteria Version 2. Collection method: clinical testing. Allele origin: germline. Affected: yes. Observed: 1 variant allele.
Comment: ANO5: BP4

Labcorp Genetics (formerly Invitae), Labcorp
Classification: Uncertain significance for Autosomal recessive limb-girdle muscular dystrophy type 2L; Gnathodiaphyseal dysplasia. Last evaluated: 2025-11-23. Review status: criteria provided, single submitter. Criteria: Invitae Variant Classification Sherloc (09022015). Collection method: clinical testing. Allele origin: germline.
Comment: This sequence change replaces glutamine, which is neutral and polar, with arginine, which is basic and polar, at codon 62 of the ANO5 protein (p.Gln62Arg). This variant is present in population databases (rs754497228, gnomAD 0.005%). This variant has not been reported in the literature in individuals affected with ANO5-related conditions. ClinVar contains an entry for this variant (Variation ID: 283746). Invitae Evidence Modeling of protein sequence and biophysical properties (such as structural, functional, and spatial information, amino acid conservation, physicochemical variation, residue mobility, and thermodynamic stability) indicates that this missense variant is not expected to disrupt ANO5 protein function with a negative predictive value of 80%. In summary, the available evidence is currently insufficient to determine the role of this variant in disease. Therefore, it has been classified as a Variant of Uncertain Significance.

Ambry Genetics
Classification: Uncertain significance for Inborn genetic diseases. Last evaluated: 2025-04-08. Review status: criteria provided, single submitter. Criteria: Ambry Variant Classification Scheme 2023. Collection method: clinical testing. Allele origin: germline.

Blueprint Genetics
Classification: Uncertain significance. Last evaluated: 2024-08-28. Review status: criteria provided, single submitter. Criteria: ACMG Guidelines, 2015. Collection method: clinical testing. Allele origin: germline.

Eurofins Ntd Llc (ga)
Classification: Uncertain significance. Last evaluated: 2015-10-04. Review status: criteria provided, single submitter. Criteria: EGL Classification Definitions 2015. Collection method: clinical testing. Allele origin: germline. Observed: 1 variant allele, 1 heterozygote.

Clinical Genetics DNA and cytogenetics Diagnostics Lab, Erasmus MC, Erasmus Medical Center
Classification: Likely benign. Review status: no assertion criteria provided. Collection method: clinical testing. Allele origin: germline. Affected: yes. Study: VKGL Data-share Consensus. Not counted in ClinVar's aggregate classification.

Laboratory of Diagnostic Genome Analysis, Leiden University Medical Center (LUMC)
Classification: Likely benign. Review status: no assertion criteria provided. Collection method: clinical testing. Allele origin: germline. Affected: yes. Study: VKGL Data-share Consensus. Not counted in ClinVar's aggregate classification.

NM_213599.3(ANO5):c.185A>G (p.Gln62Arg)

Gene: ANO5 (anoctamin 5; plus strand). Cytogenetic location: 11p14.3.
Variant type: single nucleotide variant.
Coding change: c.185A>G on transcript NM_213599.3 (MANE Select); coding-DNA position 185, A replaced by G.
Protein change: p.Gln62Arg; replaces glutamine 62 with arginine.
Molecular consequence: missense variant.
Genome position (GRCh38, 1-based): chr11:22,221,101, A>G. VCF-style: chr11-22221101-A-G. GRCh37 (hg19) VCF-style: chr11-22242647-A-G.
Other names: c.182A>G, p.Gln61Arg (NM_001142649.2); short protein forms Q62R, Q61R.
Identifiers: ClinVar variation 283746 (VCV000283746.20), dbSNP rs754497228, ClinGen allele CA5922835.